The following is an entry in ClinVar:

NM_172240.3(POC1B):c.631A>G (p.Lys211Glu)

Genes: POC1B (POC1 centriolar protein B; minus strand), POC1B-DUSP6 (POC1B-DUSP6 readthrough; minus strand). Cytogenetic location: 12q21.33.
Variant type: single nucleotide variant.
Coding change: c.631A>G on transcript NM_172240.3 (MANE Select); coding-DNA position 631, A replaced by G.
Protein change: p.Lys211Glu; replaces lysine 211 with glutamic acid.
Molecular consequence: missense variant. On other transcripts: non-coding transcript variant (2).
Genome position (GRCh38, 1-based): chr12:89,471,659, T>C on the plus strand (A>G on the coding strand, the complement: POC1B is on the minus strand). VCF-style: chr12-89471659-T-C. GRCh37 (hg19) VCF-style: chr12-89865436-T-C.
Other names: c.505A>G, p.Lys169Glu (NM_001199777.2); short protein forms K169E, K211E.
Identifiers: ClinVar variation 999446 (VCV000999446.8), dbSNP rs1882901954, ClinGen allele CA385997361.

ClinVar aggregate classification (germline): Uncertain significance (1 of 4 stars; one submission).

Submission:

Labcorp Genetics (formerly Invitae), Labcorp
Classification: Uncertain significance. Last evaluated: 2023-07-17. Review status: criteria provided, single submitter. Criteria: Invitae Variant Classification Sherloc (09022015). Collection method: clinical testing. Allele origin: germline.
Comment: Advanced modeling of protein sequence and biophysical properties (such as structural, functional, and spatial information, amino acid conservation, physicochemical variation, residue mobility, and thermodynamic stability) performed at Invitae indicates that this missense variant is expected to disrupt POC1B protein function. In summary, the available evidence is currently insufficient to determine the role of this variant in disease. Therefore, it has been classified as a Variant of Uncertain Significance. ClinVar contains an entry for this variant (Variation ID: 999446). This variant has not been reported in the literature in individuals affected with POC1B-related conditions. This variant is not present in population databases (gnomAD no frequency). This sequence change replaces lysine, which is basic and polar, with glutamic acid, which is acidic and polar, at codon 211 of the POC1B protein (p.Lys211Glu).